The following is an entry in ClinVar:

NC_000017.11:g.(?_80058474)_(80059000_?)del

Gene: CCDC40 (coiled-coil domain 40 molecular ruler complex subunit; plus strand). Cytogenetic location: 17q25.3.
Variant type: Deletion.
Identifiers: ClinVar variation 454504 (VCV000454504.4).

ClinVar aggregate classification (germline): Pathogenic (1 of 4 stars; one submission).

Conditions:
Primary ciliary dyskinesia. Also called: Ciliary dyskinesia. Identifiers: Orphanet 244, MedGen C0008780, MONDO:0016575, HP:0012265.

Submission:

Labcorp Genetics (formerly Invitae), Labcorp
Classification: Pathogenic for Primary ciliary dyskinesia. Last evaluated: 2022-12-02. Review status: criteria provided, single submitter. Criteria: Invitae Variant Classification Sherloc (09022015). Collection method: clinical testing. Allele origin: germline.
Comment: For these reasons, this variant has been classified as Pathogenic. This variant has not been reported in the literature in individuals affected with CCDC40-related conditions. This variant is a gross deletion of the genomic region encompassing exon(s) 8-9 of the CCDC40 gene. This deletion is out-of-frame, and is expected to create a premature termination codon and result in an absent or disrupted protein product. Loss-of-function variants in CCDC40 are known to be pathogenic (PMID: 21131974, 22693285, 23255504).

Literature cited by the submitters: PubMed 21131974; PubMed 22693285; PubMed 23255504.